The following is an entry in ClinVar:

ClinVar aggregate classification (germline): Uncertain significance. Review status: criteria provided, multiple submitters, no conflicts (2 of 4 stars). 2 submissions from 2 submitters: Uncertain significance (2). Last evaluated 2025-06-10.

Conditions:
SPTB-related disorder. Also called: SPTB-related condition; SPTB-Related Disorders.

Allele frequency attached by ClinVar (database versions not stated): TOPMed 0.00002; gnomAD 0.00003; gnomAD exomes 0.00006 and 0.00008; ExAC 0.00007; ESP Exome Variant Server 0.00008.
gnomAD v4.1: 88 of 1,614,076 alleles (0.0055%); highest among the groups gnomAD compares: South Asian, 0.063%; 1 homozygote.

Submissions (2):

PreventionGenetics, part of Exact Sciences
Classification: Uncertain significance for SPTB-related condition. Last evaluated: 2025-06-10. Review status: criteria provided, single submitter. Criteria: ACMG Guidelines, 2015. Collection method: clinical testing. Allele origin: germline.
Comment: The SPTB c.4147C>A variant is predicted to result in the amino acid substitution p.Leu1383Met. To our knowledge, this variant has not been reported in the literature. This variant is reported in 0.042% of alleles in individuals of South Asian descent in gnomAD. At this time, the clinical significance of this variant is uncertain due to the absence of conclusive functional and genetic evidence.

ARUP Laboratories, Molecular Genetics and Genomics, ARUP Laboratories
Classification: Uncertain significance. Last evaluated: 2021-09-13. Review status: criteria provided, single submitter. Criteria: ARUP Molecular Germline Variant Investigation Process 2021. Collection method: clinical testing. Allele origin: germline.

NM_001355436.2(SPTB):c.4147C>A (p.Leu1383Met)

Gene: SPTB (spectrin beta, erythrocytic; minus strand). Cytogenetic location: 14q23.3.
Variant type: single nucleotide variant.
Coding change: c.4147C>A on transcript NM_001355436.2 (MANE Select); coding-DNA position 4147, C replaced by A.
Protein change: p.Leu1383Met; replaces leucine 1383 with methionine.
Molecular consequence: missense variant.
Genome position (GRCh38, 1-based): chr14:64,782,409, G>T on the plus strand (C>A on the coding strand, the complement: SPTB is on the minus strand). VCF-style: chr14-64782409-G-T. GRCh37 (hg19) VCF-style: chr14-65249127-G-T.
Other names: c.4147C>A (NM_001024858.2); c.4147C>A, p.Leu1383Met (NM_001024858.4, NM_001355437.2); short protein forms L1383M.
Identifiers: ClinVar variation 1331093 (VCV001331093.8), dbSNP rs367610564, ClinGen allele CA7230391.
Genomic context (GRCh38, chr14:64,782,409, plus strand): 5'-GCAGCTGGTCCTCCATGGCGCTGATCCACTTGTTGAGGTCAGCATGGGTCTGCAAGCGCA[G>T]GTCGGAGCTCCTGGCAGCCGAGAGGTGCTGGGTCTTCTCCTTTGTGGTGGCCTGCAGCTC-3'
Protein context (NP_001342365.1, residues 1373-1393): QHLSAARSSD[Leu1383Met]RLQTHADLNK